The following is an entry in ClinVar:

NM_021975.4(RELA):c.559+8G>T

Gene: RELA (RELA proto-oncogene, NF-kB subunit; minus strand). Cytogenetic location: 11q13.1.
Variant type: single nucleotide variant.
Coding change: c.559+8G>T on transcript NM_021975.4 (MANE Select); 8 bases into the intron after coding-DNA position 559, G replaced by T.
Molecular consequence: intron variant.
Genome position (GRCh38, 1-based): chr11:65,659,658, C>A on the plus strand (G>T on the coding strand, the complement: RELA is on the minus strand). VCF-style: chr11-65659658-C-A. GRCh37 (hg19) VCF-style: chr11-65427129-C-A.
Other names: c.550+8G>T (NM_001145138.2); c.559+8G>T (NM_001243984.2, NM_001243985.2).
Identifiers: ClinVar variation 828009 (VCV000828009.6), dbSNP rs1190765527, ClinGen allele CA600228819.

ClinVar aggregate classification (germline): Conflicting classifications of pathogenicity. Review status: criteria provided, conflicting classifications (1 of 4 stars). 2 submissions from 2 submitters: Uncertain significance (1); Likely benign (1). Last evaluated 2024-01-04.

Conditions:
Autoinflammatory disease, familial, Behcet-like-3. Also called: Mucocutaneous ulceration, chronic. Identifiers: Orphanet 596759, MedGen C4748997, MONDO:0032659, OMIM 618287.

Allele frequency attached by ClinVar (database versions not stated): gnomAD exomes below 0.00001 and 0.00001; TOPMed below 0.00001.
gnomAD v4.1: 2 of 1,613,482 alleles (0.00012%); highest among the groups gnomAD compares: Admixed American, 0.0033%; no homozygotes.

Submissions (2):

Labcorp Genetics (formerly Invitae), Labcorp
Classification: Likely benign. Last evaluated: 2024-01-04. Review status: criteria provided, single submitter. Criteria: Invitae Variant Classification Sherloc (09022015). Collection method: clinical testing. Allele origin: germline.

Center for Genomics, Ann and Robert H. Lurie Children's Hospital of Chicago
Classification: Uncertain significance for Autoinflammatory disease, familial, Behcet-like-3. Last evaluated: 2021-03-30. Review status: criteria provided, single submitter. Criteria: ACMG Guidelines, 2015. Collection method: clinical testing. Allele origin: germline.
Comment: RELA NM_021975.3 exon 6 c.559+8G>T : This variant has not been reported in the literature but is present in 0.005% (2/34584) of Latino alleles in the Genome Aggregation Database. Evolutionary conservation and computational predictive tools for this variant are limited or unavailable. This variant is an intronic variant; splice prediction tools suggest that this variant may not affect splicing. However, further studies are needed to understand its impact. In summary, data on this variant is insufficient for disease classification. Therefore, the clinical significance of this variant is uncertain.